The following is an entry in ClinVar:

ClinVar aggregate classification (germline): Uncertain significance. Review status: criteria provided, multiple submitters, no conflicts (2 of 4 stars). 2 submissions from 2 submitters: Uncertain significance (2). Last evaluated 2021-08-28.

Conditions:
Holoprosencephaly 9 (HPE9). Also called: HOLOPROSENCEPHALY WITH MICROPHTHALMIA AND FIRST BRANCHIAL ARCH ANOMALIES; PITUITARY ANOMALIES WITH HOLOPROSENCEPHALY-LIKE FEATURES. Identifiers: Orphanet 2162, MedGen C1835819, MONDO:0012563, OMIM 610829.
Postaxial polydactyly-anterior pituitary anomalies-facial dysmorphism syndrome. Also called: Culler-Jones syndrome. Identifiers: Orphanet 420584, MedGen C4014479, MONDO:0014369, OMIM 615849.

Allele frequency attached by ClinVar (database versions not stated): gnomAD 0.00001; TOPMed 0.00002; ExAC 0.00007.
gnomAD v4.1: 21 of 1,563,682 alleles (0.0013%); highest among the groups gnomAD compares: East Asian, 0.039%; no homozygotes.

Submissions (2):

Labcorp Genetics (formerly Invitae), Labcorp
Classification: Uncertain significance for Postaxial polydactyly-anterior pituitary anomalies-facial dysmorphism syndrome; Holoprosencephaly 9. Last evaluated: 2021-08-28. Review status: criteria provided, single submitter. Criteria: Invitae Variant Classification Sherloc (09022015). Collection method: clinical testing. Allele origin: germline.
Comment: This sequence change replaces alanine with threonine at codon 852 of the GLI2 protein (p.Ala852Thr). The alanine residue is highly conserved and there is a small physicochemical difference between alanine and threonine. This variant is present in population databases (rs751028726, ExAC 0.1%). This variant has not been reported in the literature in individuals affected with GLI2-related conditions. ClinVar contains an entry for this variant (Variation ID: 282738). Algorithms developed to predict the effect of missense changes on protein structure and function output the following: SIFT: "Deleterious"; PolyPhen-2: "Benign"; Align-GVGD: "Class C55". The threonine amino acid residue is found in multiple mammalian species, which suggests that this missense change does not adversely affect protein function. In summary, the available evidence is currently insufficient to determine the role of this variant in disease. Therefore, it has been classified as a Variant of Uncertain Significance.

Eurofins Ntd Llc (ga)
Classification: Uncertain significance. Last evaluated: 2015-09-17. Review status: criteria provided, single submitter. Criteria: EGL Classification Definitions 2015. Collection method: clinical testing. Allele origin: germline. Observed: 1 variant allele, 1 heterozygote.

NM_001374353.1(GLI2):c.2503G>A (p.Ala835Thr)

Gene: GLI2 (GLI family zinc finger 2; plus strand). Cytogenetic location: 2q14.2.
Variant type: single nucleotide variant.
Coding change: c.2503G>A on transcript NM_001374353.1 (MANE Select); coding-DNA position 2503, G replaced by A.
Protein change: p.Ala835Thr; replaces alanine 835 with threonine.
Molecular consequence: missense variant.
Genome position (GRCh38, 1-based): chr2:120,988,468, G>A. VCF-style: chr2-120988468-G-A. GRCh37 (hg19) VCF-style: chr2-121746044-G-A.
Other names: c.2554G>A, p.Ala852Thr (NM_001371271.1, NM_005270.5); c.2128G>A, p.Ala710Thr (NM_001374354.1); short protein forms A852T, A710T, A835T.
Identifiers: ClinVar variation 282738 (VCV000282738.9), dbSNP rs751028726, ClinGen allele CA1852250.